The following is an entry in ClinVar:

ClinVar aggregate classification (germline): Pathogenic. Review status: criteria provided, multiple submitters, no conflicts (2 of 4 stars). 2 submissions from 2 submitters: Pathogenic (2). Last evaluated 2019-02-06.

Conditions:
Hereditary breast ovarian cancer syndrome. Also called: Hereditary breast and ovarian cancer; Hereditary breast and/or ovarian cancer syndrome; Breast and ovarian cancer; BRCA1- and BRCA2-Associated Hereditary Breast and Ovarian Cancer; Hereditary breast and ovarian cancer syndrome; Hereditary breast and ovarian cancer syndrome (HBOC). Identifiers: Orphanet 145, MedGen C0677776, MeSH D061325, MONDO:0003582. Disease mechanism: loss of function.
Hereditary cancer-predisposing syndrome. Also called: Hereditary neoplastic syndrome; Tumor predisposition; Neoplastic Syndromes, Hereditary; Hereditary Cancer Syndrome. Identifiers: Orphanet 140162, MedGen C0027672, MeSH D009386, MONDO:0015356.

Submissions (2):

Ambry Genetics
Classification: Pathogenic for Hereditary cancer-predisposing syndrome. Last evaluated: 2019-02-06. Review status: criteria provided, single submitter. Criteria: Ambry Variant Classification Scheme 2023. Collection method: clinical testing. Allele origin: germline.
Comment: The c.5373_5374delAT pathogenic mutation, located in coding exon 10 of the BRCA2 gene, results from a deletion of two nucleotides at nucleotide positions 5373 to 5374, causing a translational frameshift with a predicted alternate stop codon (p.S1792Qfs*14). This alteration is expected to result in loss of function by premature protein truncation or nonsense-mediated mRNA decay. As such, this alteration is interpreted as a disease-causing mutation.

Labcorp Genetics (formerly Invitae), Labcorp
Classification: Pathogenic for Hereditary breast ovarian cancer syndrome. Last evaluated: 2018-11-05. Review status: criteria provided, single submitter. Criteria: Invitae Variant Classification Sherloc (09022015). Collection method: clinical testing. Allele origin: germline.
Comment: This sequence change creates a premature translational stop signal (p.Ser1792Glnfs*14) in the BRCA2 gene. It is expected to result in an absent or disrupted protein product. For these reasons, this variant has been classified as Pathogenic. Loss-of-function variants in BRCA2 are known to be pathogenic (PMID: 20104584). This variant has not been reported in the literature in individuals with BRCA2-related disease. This variant is not present in population databases (ExAC no frequency).

Literature cited by the submitters: PubMed 20104584 (cited by Labcorp Genetics (formerly Invitae), Labcorp).

NM_000059.4(BRCA2):c.5373_5374del (p.Ser1792fs)

Gene: BRCA2 (BRCA2 DNA repair associated; plus strand). Cytogenetic location: 13q13.1.
Variant type: Microsatellite.
Coding change: c.5373_5374del on transcript NM_000059.4 (MANE Select); coding-DNA positions 5373 to 5374, 2 bases deleted (AT; older notation c.5373_5374delAT).
Protein change: p.Ser1792fs; shifts the reading frame from serine 1792.
Molecular consequence: frameshift variant.
Genome position (GRCh38, 1-based): chr13:32,339,728-32,339,729, AT deleted; deleting any 2 consecutive bases within chr13:32,339,726-32,339,729 gives the same sequence; the c. name uses the placement nearest the transcript's 3' end. VCF-style (leftmost placement, unchanged base first): chr13-32339725-AAT-A. GRCh37 (hg19) VCF-style: chr13-32913862-AAT-A.
Other names: c.5373_5374delAT (NM_000059.3); short protein forms S1792fs.
Identifiers: ClinVar variation 655893 (VCV000655893.11), dbSNP rs1593905291, ClinGen allele CA915948490.